The following is an entry in ClinVar:

ClinVar aggregate classification (germline): Pathogenic (1 of 4 stars; one submission).

Conditions:
Alstrom syndrome (ALMS). Identifiers: Orphanet 64, MedGen C0268425, MONDO:0008763, OMIM 203800.

Submission:

Labcorp Genetics (formerly Invitae), Labcorp
Classification: Pathogenic for Alstrom syndrome. Last evaluated: 2021-08-19. Review status: criteria provided, single submitter. Criteria: Invitae Variant Classification Sherloc (09022015). Collection method: clinical testing. Allele origin: germline.
Comment: This variant has not been reported in the literature in individuals affected with ALMS1-related conditions. This variant is not present in population databases (ExAC no frequency). This sequence change creates a premature translational stop signal (p.Glu432*) in the ALMS1 gene. It is expected to result in an absent or disrupted protein product. Loss-of-function variants in ALMS1 are known to be pathogenic (PMID: 17594715). For these reasons, this variant has been classified as Pathogenic.

Literature cited by the submitters: PubMed 17594715.

NM_001378454.1(ALMS1):c.1291G>T (p.Glu431Ter)

Gene: ALMS1 (ALMS1 centrosome and basal body associated protein; plus strand). Cytogenetic location: 2p13.1.
Variant type: single nucleotide variant.
Coding change: c.1291G>T on transcript NM_001378454.1 (MANE Select); coding-DNA position 1291, G replaced by T.
Protein change: p.Glu431Ter; replaces glutamic acid 431 with a stop codon.
Molecular consequence: nonsense.
Genome position (GRCh38, 1-based): chr2:73,426,506, G>T. VCF-style: chr2-73426506-G-T. GRCh37 (hg19) VCF-style: chr2-73653634-G-T.
Other names: c.1294G>T, p.Glu432Ter (NM_015120.4); short protein forms E432*, E431*.
Identifiers: ClinVar variation 1437778 (VCV001437778.6), dbSNP rs2103720460, ClinGen allele CA347261923.